The following is an entry in ClinVar:

ClinVar aggregate classification (germline): Likely benign (1 of 4 stars; one submission).

Allele frequency attached by ClinVar (database versions not stated): gnomAD 0.00001; gnomAD exomes 0.00001; TOPMed 0.00001; ExAC 0.00002; ESP Exome Variant Server 0.00008.

Submission:

CeGaT Center for Human Genetics Tuebingen
Classification: Likely benign. Last evaluated: 2022-04-01. Review status: criteria provided, single submitter. Criteria: CeGaT Center For Human Genetics Tuebingen Variant Classification Criteria Version 2. Collection method: clinical testing. Allele origin: germline. Affected: yes. Observed: 1 variant allele.
Comment: NEIL2: BP4, BP7

NM_145043.4(NEIL2):c.15G>A (p.Pro5=)

Gene: NEIL2 (nei like DNA glycosylase 2). Cytogenetic location: 8p23.1.
Variant type: single nucleotide variant.
Coding change: c.15G>A on transcript NM_145043.4 (MANE Select); coding-DNA position 15, G replaced by A.
Protein change: p.Pro5=; no amino-acid change (proline 5 retained).
Molecular consequence: synonymous variant. On other transcripts: 5 prime UTR variant (2), non-coding transcript variant (3), intron variant (2).
Genome position (GRCh38, 1-based): chr8:11,771,462, G>A. VCF-style: chr8-11771462-G-A. GRCh37 (hg19) VCF-style: chr8-11628971-G-A.
Other names: c.15G>A, p.Pro5= (NM_001135746.3, NM_001135748.3, NM_001349442.2); c.-174G>A (NM_001349439.2, NM_001349440.2); c.-46+1127G>A (NM_001349441.2); c.-46+1671G>A (NM_001135747.3).
Identifiers: ClinVar variation 2658412 (VCV002658412.24), dbSNP rs371873253, ClinGen allele CA4631008.